The following is an entry in ClinVar:

NM_007347.5(AP4E1):c.2144A>G (p.Tyr715Cys)

Gene: AP4E1 (adaptor related protein complex 4 subunit epsilon 1; plus strand). Cytogenetic location: 15q21.2.
Variant type: single nucleotide variant.
Coding change: c.2144A>G on transcript NM_007347.5 (MANE Select); coding-DNA position 2144, A replaced by G.
Protein change: p.Tyr715Cys; replaces tyrosine 715 with cysteine.
Molecular consequence: missense variant.
Genome position (GRCh38, 1-based): chr15:50,993,423, A>G. VCF-style: chr15-50993423-A-G. GRCh37 (hg19) VCF-style: chr15-51285620-A-G.
Other names: c.1919A>G, p.Tyr640Cys (NM_001252127.2); short protein forms Y640C, Y715C.
Identifiers: ClinVar variation 3712127 (VCV003712127.2).

ClinVar aggregate classification (germline): Uncertain significance (1 of 4 stars; one submission).

Conditions:
Spastic paraplegia. Identifiers: MedGen C0037772, HP:0001258.

gnomAD v4.1: 4 of 1,613,970 alleles (0.00025%); highest among the groups gnomAD compares: Middle Eastern, 0.017%; no homozygotes.

Submission:

Labcorp Genetics (formerly Invitae), Labcorp
Classification: Uncertain significance for Spastic paraplegia. Last evaluated: 2024-07-20. Review status: criteria provided, single submitter. Criteria: Invitae Variant Classification Sherloc (09022015). Collection method: clinical testing. Allele origin: germline.
Comment: This sequence change replaces tyrosine, which is neutral and polar, with cysteine, which is neutral and slightly polar, at codon 715 of the AP4E1 protein (p.Tyr715Cys). This variant is present in population databases (no rsID available, gnomAD 0.007%). This variant has not been reported in the literature in individuals affected with AP4E1-related conditions. An algorithm developed to predict the effect of missense changes on protein structure and function (PolyPhen-2) suggests that this variant is likely to be disruptive. In summary, the available evidence is currently insufficient to determine the role of this variant in disease. Therefore, it has been classified as a Variant of Uncertain Significance.